The following is an entry in ClinVar:

NM_001394062.1(MACF1):c.20392G>A (p.Val6798Ile)

Gene: MACF1 (microtubule actin crosslinking factor 1; plus strand). Cytogenetic location: 1p34.3.
Variant type: single nucleotide variant.
Coding change: c.20392G>A on transcript NM_001394062.1 (MANE Select); coding-DNA position 20392, G replaced by A.
Protein change: p.Val6798Ile; replaces valine 6798 with isoleucine.
Molecular consequence: missense variant.
Genome position (GRCh38, 1-based): chr1:39,451,185, G>A. VCF-style: chr1-39451185-G-A. GRCh37 (hg19) VCF-style: chr1-39916857-G-A.
Other names: c.8470G>A, p.Val2824Ile (NM_001397473.1); c.14215G>A, p.Val4739Ile (NM_012090.5); short protein forms V2824I, V4739I, V6798I.
Identifiers: ClinVar variation 3052012 (VCV003052012.2), dbSNP rs893947797, ClinGen allele CA20954423.

ClinVar aggregate classification (germline): Uncertain significance (0 of 4 stars; one submission).

Conditions:
MACF1-related disorder. Also called: MACF1-related condition.

Allele frequency attached by ClinVar (database versions not stated): TOPMed 0.00002.
gnomAD v4.1: 11 of 1,614,016 alleles (0.00068%); highest among the groups gnomAD compares: Admixed American, 0.0033%; no homozygotes.

Submission:

PreventionGenetics, part of Exact Sciences
Classification: Uncertain significance for MACF1-related condition. Last evaluated: 2023-12-26. Review status: no assertion criteria provided. Collection method: clinical testing. Allele origin: germline.
Comment: The MACF1 c.14215G>A variant is predicted to result in the amino acid substitution p.Val4739Ile. To our knowledge, this variant has not been reported in the literature. This variant is reported in 0.0029% of alleles in individuals of Latino descent in gnomAD. At this time, the clinical significance of this variant is uncertain due to the absence of conclusive functional and genetic evidence.